The following is an entry in ClinVar:

NM_001323289.2(CDKL5):c.2054T>G (p.Val685Gly)

Gene: CDKL5 (cyclin dependent kinase like 5; plus strand). Cytogenetic location: Xp22.13.
Variant type: single nucleotide variant.
Coding change: c.2054T>G on transcript NM_001323289.2 (MANE Select); coding-DNA position 2054, T replaced by G.
Protein change: p.Val685Gly; replaces valine 685 with glycine.
Molecular consequence: missense variant.
Genome position (GRCh38, 1-based): chrX:18,609,472, T>G. VCF-style: chrX-18609472-T-G. GRCh37 (hg19) VCF-style: chrX-18627592-T-G.
Other names: c.2054T>G, p.Val685Gly (NM_001037343.2, NM_003159.3); short protein forms V685G.
Identifiers: ClinVar variation 3767539 (VCV003767539.1).
Genomic context (GRCh38, chrX:18,609,472, plus strand): 5'-AATATTGTCATCAATGTGTGGCTTAACTTTTATAAATTTCTTTCCTGCCTCAGGGTGGAG[T>G]GTATCATGACCCACACTCTGATGATGGCACAGCCCCCAAAGAAAATAGACACCTATACAA-3'
Protein context (NP_001310218.1, residues 675-695): FHTRQKSEGG[Val685Gly]YHDPHSDDGT

ClinVar aggregate classification (germline): Uncertain significance (1 of 4 stars; one submission).

Submission:

GeneDx
Classification: Uncertain significance. Last evaluated: 2024-09-10. Review status: criteria provided, single submitter. Criteria: GeneDx Variant Classification Process June 2021. Collection method: clinical testing. Allele origin: germline. Affected: yes.
Comment: Not observed at significant frequency in large population cohorts (gnomAD); In silico analysis indicates that this missense variant does not alter protein structure/function; Has not been previously published as pathogenic or benign to our knowledge